The following is an entry in ClinVar:

ClinVar aggregate classification (germline): Pathogenic (1 of 4 stars; one submission).

Submission:

Labcorp Genetics (formerly Invitae), Labcorp
Classification: Pathogenic. Last evaluated: 2025-01-27. Review status: criteria provided, single submitter. Criteria: Invitae Variant Classification Sherloc (09022015). Collection method: clinical testing. Allele origin: germline.
Comment: This sequence change creates a premature translational stop signal (p.Tyr109*) in the WHRN gene. It is expected to result in an absent or disrupted protein product. Loss-of-function variants in WHRN are known to be pathogenic (PMID: 12833159, 15841483, 22147658). This variant is not present in population databases (gnomAD no frequency). This variant has not been reported in the literature in individuals affected with WHRN-related conditions. ClinVar contains an entry for this variant (Variation ID: 2745850). For these reasons, this variant has been classified as Pathogenic.

Literature cited by the submitters: PubMed 12833159; PubMed 15841483; PubMed 22147658.

NM_015404.4(WHRN):c.327C>A (p.Tyr109Ter)

Gene: WHRN (whirlin; minus strand). Cytogenetic location: 9q32.
Variant type: single nucleotide variant.
Coding change: c.327C>A on transcript NM_015404.4 (MANE Select); coding-DNA position 327, C replaced by A.
Protein change: p.Tyr109Ter; replaces tyrosine 109 with a stop codon.
Molecular consequence: nonsense.
Genome position (GRCh38, 1-based): chr9:114,504,475, G>T on the plus strand (C>A on the coding strand, the complement: WHRN is on the minus strand). VCF-style: chr9-114504475-G-T. GRCh37 (hg19) VCF-style: chr9-117266755-G-T.
Other names: c.327C>A, p.Tyr109Ter (NM_001173425.2); short protein forms Y109*.
Identifiers: ClinVar variation 2745850 (VCV002745850.3), dbSNP rs1350323144, ClinGen allele CA374612851.